The following is an entry in ClinVar:

ClinVar aggregate classification (germline): Uncertain significance (1 of 4 stars; one submission).

Allele frequency attached by ClinVar (database versions not stated): gnomAD 0.00001; TOPMed 0.00001.
gnomAD v4.1: 1 of 114,344 alleles (0.00087%); highest among the groups gnomAD compares: Non-Finnish European, 0.0019%; no homozygotes.

Submission:

GeneDx
Classification: Uncertain significance. Last evaluated: 2024-04-18. Review status: criteria provided, single submitter. Criteria: GeneDx Variant Classification Process June 2021. Collection method: clinical testing. Allele origin: germline. Affected: yes.
Comment: Has not been previously published as pathogenic or benign to our knowledge; No data available from control populations to assess the frequency of this variant; In silico analysis is inconclusive as to whether the variant alters gene splicing. In the absence of RNA/functional studies, the actual effect of this sequence change is unknown.

NM_001008537.3(NEXMIF):c.-48+5G>A

Gene: NEXMIF (neurite extension and migration factor; minus strand). Cytogenetic location: Xq13.3.
Variant type: single nucleotide variant.
Coding change: c.-48+5G>A on transcript NM_001008537.3 (MANE Select); 5 bases into the intron after 48 bases upstream of the start codon, G replaced by A.
Molecular consequence: intron variant.
Genome position (GRCh38, 1-based): chrX:74,924,878, C>T on the plus strand (G>A on the coding strand, the complement: NEXMIF is on the minus strand). VCF-style: chrX-74924878-C-T. GRCh37 (hg19) VCF-style: chrX-74144713-C-T.
Identifiers: ClinVar variation 2574506 (VCV002574506.2), dbSNP rs1387527778, ClinGen allele CA878089800.